The following is an entry in ClinVar:

NM_020856.4(TSHZ3):c.2283T>C (p.Ala761=)

Gene: TSHZ3 (teashirt zinc finger homeobox 3; minus strand). Cytogenetic location: 19q12.
Variant type: single nucleotide variant.
Coding change: c.2283T>C on transcript NM_020856.4 (MANE Select); coding-DNA position 2283, T replaced by C.
Protein change: p.Ala761=; no amino-acid change (alanine 761 retained).
Molecular consequence: synonymous variant.
Genome position (GRCh38, 1-based): chr19:31,277,510, A>G on the plus strand (T>C on the coding strand, the complement: TSHZ3 is on the minus strand). VCF-style: chr19-31277510-A-G. GRCh37 (hg19) VCF-style: chr19-31768416-A-G.
Other names: c.2283T>C (NM_020856.3).
Identifiers: ClinVar variation 1248896 (VCV001248896.5), dbSNP rs3745784, ClinGen allele CA9354097.

ClinVar aggregate classification (germline): Benign. Review status: criteria provided, multiple submitters, no conflicts (2 of 4 stars). 3 submissions from 3 submitters: Benign (2). 1 of the submissions does not count toward it. Last evaluated 2020-12-03.

Conditions:
TSHZ3-related disorder. Also called: TSHZ3-related condition.

Allele frequency attached by ClinVar (database versions not stated): gnomAD exomes 0.14796 and 0.19657; ExAC 0.20298; gnomAD 0.25849 and 0.26159; ESP Exome Variant Server 0.26465; TOPMed 0.28105; 1000 Genomes Project 0.31110; 1000 Genomes Project 30x 0.31746.
gnomAD v4.1: 256,062 of 1,605,516 alleles (16%); highest among the groups gnomAD compares: African/African-American, 54%; 28,497 homozygotes.

Submissions (3):

GeneDx
Classification: Benign. Last evaluated: 2020-12-03. Review status: criteria provided, single submitter. Criteria: GeneDx Variant Classification Process June 2021. Collection method: clinical testing. Allele origin: germline. Affected: yes.

Breakthrough Genomics
Classification: Benign. Review status: criteria provided, single submitter. Criteria: ACMG Guidelines, 2015. Collection method: not provided. Allele origin: germline. Inheritance: Unknown mechanism. Affected: yes.

PreventionGenetics, part of Exact Sciences
Classification: Benign for TSHZ3-related condition. Last evaluated: 2019-10-24. Review status: no assertion criteria provided. Collection method: clinical testing. Allele origin: germline. Not counted in ClinVar's aggregate classification.
Comment: This variant is classified as benign based on ACMG/AMP sequence variant interpretation guidelines (Richards et al. 2015 PMID: 25741868, with internal and published modifications).